The following is an entry in ClinVar:

ClinVar aggregate classification (germline): Uncertain significance. Review status: criteria provided, multiple submitters, no conflicts (2 of 4 stars). 3 submissions from 3 submitters: Uncertain significance (3). Last evaluated 2022-10-26.

Conditions:
Inborn genetic diseases. Identifiers: MedGen C0950123, MeSH D030342.

Allele frequency attached by ClinVar (database versions not stated): TOPMed below 0.00001; gnomAD 0.00001; ExAC 0.00002; gnomAD exomes 0.00004.
gnomAD v4.1: 60 of 1,613,344 alleles (0.0037%); highest among the groups gnomAD compares: East Asian, 0.11%; no homozygotes.

Submissions (3):

Ambry Genetics
Classification: Uncertain significance for Inborn genetic diseases. Last evaluated: 2022-10-26. Review status: criteria provided, single submitter. Criteria: Ambry Variant Classification Scheme 2023. Collection method: clinical testing. Allele origin: germline.

Labcorp Genetics (formerly Invitae), Labcorp
Classification: Uncertain significance. Last evaluated: 2022-10-17. Review status: criteria provided, single submitter. Criteria: Invitae Variant Classification Sherloc (09022015). Collection method: clinical testing. Allele origin: germline.
Comment: This sequence change replaces asparagine, which is neutral and polar, with serine, which is neutral and polar, at codon 56 of the NDUFAF2 protein (p.Asn56Ser). This variant is present in population databases (rs750914742, gnomAD 0.05%). This variant has not been reported in the literature in individuals affected with NDUFAF2-related conditions. ClinVar contains an entry for this variant (Variation ID: 214744). Algorithms developed to predict the effect of missense changes on protein structure and function are either unavailable or do not agree on the potential impact of this missense change (SIFT: "Deleterious"; PolyPhen-2: "Benign"; Align-GVGD: "Class C0"). In summary, the available evidence is currently insufficient to determine the role of this variant in disease. Therefore, it has been classified as a Variant of Uncertain Significance.

GeneDx
Classification: Uncertain significance. Last evaluated: 2015-01-20. Review status: criteria provided, single submitter. Criteria: GeneDx Variant Classification (06012015). Collection method: clinical testing. Allele origin: germline. Affected: yes.
Comment: p.Asn56Ser (AAT>AGT): c.167 A>G in exon 2 of the NDUFAF2 gene (NM_174889.4). The N56S variant of unknown significance in the NDUFAF2 gene has not been published as a mutation, nor has it been reported as a benign polymorphism to our knowledge. The N56S variant is a conservative amino acid substitution, which is not likely to impact secondary protein structure as these residues share similar properties. This substitution occurs at a position that is moderately conserved across species. In silico analysis predicts this variant likely does not alter the protein structure/function. Therefore, based on the currently available information, it is unclear whether this variant is a pathogenic mutation or a rare benign variant. The variant is found in MITONUC-MITOP panel(s).

NM_174889.5(NDUFAF2):c.167A>G (p.Asn56Ser)

Gene: NDUFAF2 (NADH:ubiquinone oxidoreductase complex assembly factor 2; plus strand). Cytogenetic location: 5q12.1.
Variant type: single nucleotide variant.
Coding change: c.167A>G on transcript NM_174889.5 (MANE Select); coding-DNA position 167, A replaced by G.
Protein change: p.Asn56Ser; replaces asparagine 56 with serine.
Molecular consequence: missense variant.
Genome position (GRCh38, 1-based): chr5:61,073,164, A>G. VCF-style: chr5-61073164-A-G. GRCh37 (hg19) VCF-style: chr5-60368991-A-G.
Other names: p.N56S:AAT>AGT; short protein forms N56S.
Identifiers: ClinVar variation 214744 (VCV000214744.4), dbSNP rs750914742, ClinGen allele CA324418.